The following is an entry in ClinVar:

NM_182493.3(MYLK3):c.1228G>A (p.Gly410Arg)

Gene: MYLK3 (myosin light chain kinase 3; minus strand). Cytogenetic location: 16q11.2.
Variant type: single nucleotide variant.
Coding change: c.1228G>A on transcript NM_182493.3 (MANE Select); coding-DNA position 1228, G replaced by A.
Protein change: p.Gly410Arg; replaces glycine 410 with arginine.
Molecular consequence: missense variant.
Genome position (GRCh38, 1-based): chr16:46,732,442, C>T on the plus strand (G>A on the coding strand, the complement: MYLK3 is on the minus strand). VCF-style: chr16-46732442-C-T. GRCh37 (hg19) VCF-style: chr16-46766354-C-T.
Other names: c.205G>A, p.Gly69Arg (NM_001308301.1); short protein forms G69R, G410R.
Identifiers: ClinVar variation 1502426 (VCV001502426.6), dbSNP rs569088780, ClinGen allele CA8038042.

ClinVar aggregate classification (germline): Uncertain significance (1 of 4 stars; one submission).

Allele frequency attached by ClinVar (database versions not stated): gnomAD 0.00001 and 0.00002; TOPMed 0.00001; gnomAD exomes 0.00005; ExAC 0.00007; 1000 Genomes Project 30x 0.00016; 1000 Genomes Project 0.00020.
gnomAD v4.1: 59 of 1,612,784 alleles (0.0037%); highest among the groups gnomAD compares: East Asian, 0.016%; no homozygotes.

Submission:

Labcorp Genetics (formerly Invitae), Labcorp
Classification: Uncertain significance. Last evaluated: 2025-01-15. Review status: criteria provided, single submitter. Criteria: Invitae Variant Classification Sherloc (09022015). Collection method: clinical testing. Allele origin: germline.
Comment: This sequence change replaces glycine, which is neutral and non-polar, with arginine, which is basic and polar, at codon 410 of the MYLK3 protein (p.Gly410Arg). This variant is present in population databases (rs569088780, gnomAD 0.02%). This variant has not been reported in the literature in individuals affected with MYLK3-related conditions. ClinVar contains an entry for this variant (Variation ID: 1502426). An algorithm developed to predict the effect of missense changes on protein structure and function outputs the following: PolyPhen-2: "Benign". The arginine amino acid residue is found in multiple mammalian species, which suggests that this missense change does not adversely affect protein function. In summary, the available evidence is currently insufficient to determine the role of this variant in disease. Therefore, it has been classified as a Variant of Uncertain Significance.